The following is an entry in ClinVar:

ClinVar aggregate classification (germline): Uncertain significance. Review status: criteria provided, multiple submitters, no conflicts (2 of 4 stars). 2 submissions from 2 submitters: Uncertain significance (2). Last evaluated 2023-04-19.

Conditions:
Transcobalamin I deficiency (TCN1D). Also called: TCN1 DEFICIENCY; COBALAMIN PSEUDODEFICIENCY DUE TO TRANSCOBALAMIN DEFICIENCY; COBALAMIN R BINDER PROTEIN DEFICIENCY. Identifiers: Orphanet 2967, MedGen C0342700, MONDO:0008659, OMIM 193090.

Allele frequency attached by ClinVar (database versions not stated): gnomAD below 0.00001 and 0.00003; TOPMed 0.00002; gnomAD exomes 0.00008; ExAC 0.00012; 1000 Genomes Project 30x 0.00016.

Submissions (2):

Ambry Genetics
Classification: Uncertain significance. Last evaluated: 2023-04-19. Review status: criteria provided, single submitter. Criteria: Ambry Variant Classification Scheme 2023. Collection method: clinical testing. Allele origin: germline.

Labcorp Genetics (formerly Invitae), Labcorp
Classification: Uncertain significance for Transcobalamin I deficiency. Last evaluated: 2020-09-09. Review status: criteria provided, single submitter. Criteria: Invitae Variant Classification Sherloc (09022015). Collection method: clinical testing. Allele origin: germline.
Comment: Algorithms developed to predict the effect of missense changes on protein structure and function are either unavailable or do not agree on the potential impact of this missense change (SIFT: "Tolerated"; PolyPhen-2: "Probably Damaging"; Align-GVGD: "Class C0"). In summary, the available evidence is currently insufficient to determine the role of this variant in disease. Therefore, it has been classified as a Variant of Uncertain Significance. This variant has not been reported in the literature in individuals with TCN1-related conditions. This variant is present in population databases (rs780641711, ExAC 0.09%). This sequence change replaces aspartic acid with valine at codon 115 of the TCN1 protein (p.Asp115Val). The aspartic acid residue is weakly conserved and there is a large physicochemical difference between aspartic acid and valine.

NM_001062.4(TCN1):c.344A>T (p.Asp115Val)

Gene: TCN1 (transcobalamin 1; minus strand). Cytogenetic location: 11q12.1.
Variant type: single nucleotide variant.
Coding change: c.344A>T on transcript NM_001062.4 (MANE Select); coding-DNA position 344, A replaced by T.
Protein change: p.Asp115Val; replaces aspartic acid 115 with valine.
Molecular consequence: missense variant.
Genome position (GRCh38, 1-based): chr11:59,862,638, T>A on the plus strand (A>T on the coding strand, the complement: TCN1 is on the minus strand). VCF-style: chr11-59862638-T-A. GRCh37 (hg19) VCF-style: chr11-59630111-T-A.
Other names: c.344A>T (NM_001062.3); short protein forms D115V.
Identifiers: ClinVar variation 1036789 (VCV001036789.10), dbSNP rs780641711, ClinGen allele CA6022051.